The following is an entry in ClinVar:

ClinVar aggregate classification (germline): Uncertain significance. Review status: criteria provided, single submitter (1 of 4 stars). 2 submissions from 2 submitters: Uncertain significance (1). 1 of the submissions does not count toward it. Last evaluated 2024-03-25.

Conditions:
PIK3C2B-related disorder. Also called: PIK3C2B-related condition.

gnomAD v4.1: 38 of 1,590,714 alleles (0.0024%); highest among the groups gnomAD compares: Non-Finnish European, 0.0028%; no homozygotes.

Submissions (2):

Ambry Genetics
Classification: Uncertain significance. Last evaluated: 2024-03-25. Review status: criteria provided, single submitter. Criteria: Ambry Variant Classification Scheme 2023. Collection method: clinical testing. Allele origin: germline.

PreventionGenetics, part of Exact Sciences
Classification: Uncertain significance for PIK3C2B-related condition. Last evaluated: 2024-06-26. Review status: no assertion criteria provided. Collection method: clinical testing. Allele origin: germline. Not counted in ClinVar's aggregate classification.
Comment: The PIK3C2B c.2101C>G variant is predicted to result in the amino acid substitution p.Arg701Gly. To our knowledge, this variant has not been reported in the literature. This variant is reported in 0.0022% of alleles in individuals of European (Non-Finnish) descent in gnomAD. At this time, the clinical significance of this variant is uncertain due to the absence of conclusive functional and genetic evidence.

NM_001377334.1(PIK3C2B):c.2101C>G (p.Arg701Gly)

Gene: PIK3C2B (phosphatidylinositol-4-phosphate 3-kinase catalytic subunit type 2 beta; minus strand). Cytogenetic location: 1q32.1.
Variant type: single nucleotide variant.
Coding change: c.2101C>G on transcript NM_001377334.1 (MANE Select); coding-DNA position 2101, C replaced by G.
Protein change: p.Arg701Gly; replaces arginine 701 with glycine.
Molecular consequence: missense variant.
Genome position (GRCh38, 1-based): chr1:204,449,983, G>C on the plus strand (C>G on the coding strand, the complement: PIK3C2B is on the minus strand). VCF-style: chr1-204449983-G-C. GRCh37 (hg19) VCF-style: chr1-204419111-G-C.
Other names: c.2101C>G, p.Arg701Gly (NM_001377335.1, NM_002646.4); short protein forms R701G.
Identifiers: ClinVar variation 3306541 (VCV003306541.2).
Genomic context (GRCh38, chr1:204,449,983, plus strand): 5'-AGGAGCTCCCCGGTGGGGGGATGGGCAGAGCATAGAGAGTGGCACACAGCAGTGTCTCCC[G>C]AGGCAGCCGGTTCACCTGCACTGGGAAGCAGATCCTATGGAGGACAGGAAGTCAAATTAG-3'
Protein context (NP_001364263.1, residues 691-711): CFPVQVNRLP[Arg701Gly]ETLLCATLYA